The following is an entry in ClinVar:

ClinVar aggregate classification (germline): Uncertain significance (1 of 4 stars; one submission).

Conditions:
Severe early-onset pulmonary alveolar proteinosis due to MARS deficiency. Also called: PULMONARY ALVEOLAR PROTEINOSIS, REUNION ISLAND; Interstitial lung and liver disease. Identifiers: Orphanet 440427, MedGen C4225400, MONDO:0014206, OMIM 615486.
Charcot-Marie-Tooth disease axonal type 2U. Also called: CHARCOT-MARIE-TOOTH NEUROPATHY, TYPE 2U; CHARCOT-MARIE-TOOTH DISEASE, AXONAL, AUTOSOMAL DOMINANT, TYPE 2U. Identifiers: Orphanet 397735, MedGen C4084821, MONDO:0014566, OMIM 616280.

Submission:

Labcorp Genetics (formerly Invitae), Labcorp
Classification: Uncertain significance for Charcot-Marie-Tooth disease axonal type 2U; Severe early-onset pulmonary alveolar proteinosis due to MARS deficiency. Last evaluated: 2023-10-25. Review status: criteria provided, single submitter. Criteria: Invitae Variant Classification Sherloc (09022015). Collection method: clinical testing. Allele origin: germline.
Comment: This sequence change falls in intron 20 of the MARS gene. It does not directly change the encoded amino acid sequence of the MARS protein. It affects a nucleotide within the consensus splice site. This variant is not present in population databases (gnomAD no frequency). This variant has not been reported in the literature in individuals affected with MARS-related conditions. Variants that disrupt the consensus splice site are a relatively common cause of aberrant splicing (PMID: 17576681, 9536098). Algorithms developed to predict the effect of sequence changes on RNA splicing suggest that this variant may disrupt the consensus splice site. In summary, the available evidence is currently insufficient to determine the role of this variant in disease. Therefore, it has been classified as a Variant of Uncertain Significance.

Literature cited by the submitters: PubMed 17576681; PubMed 9536098.

NM_004990.4(MARS1):c.2556+3A>G

Gene: MARS1 (methionyl-tRNA synthetase 1; plus strand). Cytogenetic location: 12q13.3.
Variant type: single nucleotide variant.
Coding change: c.2556+3A>G on transcript NM_004990.4 (MANE Select); 3 bases into the intron after coding-DNA position 2556, A replaced by G.
Molecular consequence: intron variant.
Genome position (GRCh38, 1-based): chr12:57,516,340, A>G. VCF-style: chr12-57516340-A-G. GRCh37 (hg19) VCF-style: chr12-57910123-A-G.
Identifiers: ClinVar variation 2953276 (VCV002953276.3), dbSNP rs2540323018, ClinGen allele CA2739422758.